The following is an entry in ClinVar:

NM_144596.4(TTC8):c.452T>A (p.Ile151Asn)

Gene: TTC8 (tetratricopeptide repeat domain 8; plus strand). Cytogenetic location: 14q31.3.
Variant type: single nucleotide variant.
Coding change: c.452T>A on transcript NM_144596.4 (MANE Select); coding-DNA position 452, T replaced by A.
Protein change: p.Ile151Asn; replaces isoleucine 151 with asparagine.
Molecular consequence: missense variant. On other transcripts: 5 prime UTR variant (2), non-coding transcript variant (1).
Genome position (GRCh38, 1-based): chr14:88,841,159, T>A. VCF-style: chr14-88841159-T-A. GRCh37 (hg19) VCF-style: chr14-89307503-T-A.
Other names: c.452T>A (NM_144596.3); c.422T>A, p.Ile141Asn (NM_001288781.1, NM_001366535.2, NM_001366536.2 and 2 more transcripts); c.-141T>A (NM_001288782.1); c.-236T>A (NM_001288783.1); short protein forms I151N, I141N.
Identifiers: ClinVar variation 1439351 (VCV001439351.9), dbSNP rs774233751, ClinGen allele CA7302473.

ClinVar aggregate classification (germline): Uncertain significance. Review status: criteria provided, multiple submitters, no conflicts (2 of 4 stars). 5 submissions from 5 submitters: Uncertain significance (5). Last evaluated 2026-06-05.

Conditions:
Bardet-Biedl syndrome 8 (BBS8). Identifiers: Orphanet 110, MedGen C1859566, MONDO:0014436, OMIM 615985.
Retinitis pigmentosa 51 (RP51). Identifiers: Orphanet 791, MedGen C3150715, MONDO:0013274, OMIM 613464.
TTC8-related disorder. Also called: TTC8-related condition.
Bardet-Biedl syndrome (BBS). Identifiers: Orphanet 110, MedGen C0752166, MONDO:0015229.

Allele frequency attached by ClinVar (database versions not stated): gnomAD 0.00001; gnomAD exomes 0.00001 and 0.00003; TOPMed 0.00006; ExAC 0.00001.

Submissions (5):

PreventionGenetics, part of Exact Sciences
Classification: Uncertain significance for TTC8-related condition. Last evaluated: 2026-06-05. Review status: criteria provided, single submitter. Criteria: ACMG Guidelines, 2015. Collection method: clinical testing. Allele origin: germline.
Comment: The TTC8 c.452T>A variant is predicted to result in the amino acid substitution p.Ile151Asn. This variant has been reported in the heterozygous state as a variant of uncertain significance in a patient with obesity; however, no additional data was provided to assess its pathogenicity (supplementary data, Roberts et al. 2022. PubMed ID: 35562395). This variant is reported in 0.023% of alleles in individuals of Latino descent in gnomAD. At this time, the clinical significance of this variant is uncertain due to the absence of conclusive functional and genetic evidence.

Labcorp Genetics (formerly Invitae), Labcorp
Classification: Uncertain significance for Bardet-Biedl syndrome. Last evaluated: 2024-02-24. Review status: criteria provided, single submitter. Criteria: Invitae Variant Classification Sherloc (09022015). Collection method: clinical testing. Allele origin: germline.
Comment: This sequence change replaces isoleucine, which is neutral and non-polar, with asparagine, which is neutral and polar, at codon 141 of the TTC8 protein (p.Ile141Asn). This variant is present in population databases (rs774233751, gnomAD 0.02%). This variant has not been reported in the literature in individuals affected with TTC8-related conditions. ClinVar contains an entry for this variant (Variation ID: 1439351). Advanced modeling of protein sequence and biophysical properties (such as structural, functional, and spatial information, amino acid conservation, physicochemical variation, residue mobility, and thermodynamic stability) performed at Invitae indicates that this missense variant is not expected to disrupt TTC8 protein function with a negative predictive value of 80%. In summary, the available evidence is currently insufficient to determine the role of this variant in disease. Therefore, it has been classified as a Variant of Uncertain Significance.

Women's Health and Genetics/Laboratory Corporation of America, LabCorp
Classification: Uncertain significance. Last evaluated: 2023-12-08. Review status: criteria provided, single submitter. Criteria: LabCorp Variant Classification Summary - May 2015. Collection method: clinical testing. Allele origin: germline.
Comment: Variant summary: TTC8 c.422T>A (p.Ile141Asn) results in a non-conservative amino acid change in the encoded protein sequence. Four of five in-silico tools predict a damaging effect of the variant on protein function. The variant allele was found at a frequency of 3.2e-05 in 250968 control chromosomes (gnomAD). The available data on variant occurrences in the general population are insufficient to allow any conclusion about variant significance. To our knowledge, no occurrence of c.422T>A in individuals affected with Bardet-Biedl Syndrome and no experimental evidence demonstrating its impact on protein function have been reported. Three submitters have cited clinical-significance assessments for this variant to ClinVar after 2014. All submitters classified the variant as uncertain significance. Based on the evidence outlined above, the variant was classified as uncertain significance.

Fulgent Genetics
Classification: Uncertain significance for Retinitis pigmentosa 51; Bardet-Biedl syndrome 8. Last evaluated: 2022-01-19. Review status: criteria provided, single submitter. Criteria: ACMG Guidelines, 2015. Collection method: clinical testing. Allele origin: unknown.

Blueprint Genetics
Classification: Uncertain significance. Last evaluated: 2021-09-13. Review status: criteria provided, single submitter. Criteria: ACMG Guidelines, 2015. Collection method: clinical testing. Allele origin: germline.